The following is an entry in ClinVar:

ClinVar aggregate classification (germline): Uncertain significance (1 of 4 stars; one submission).

Conditions:
Malignant hyperthermia, susceptibility to, 1 (MHS1). Also called: RYR1-Related Malignant Hyperthermia Susceptibility; Malignant hyperthermia suceptibility 1; Anesthesia related hyperthermia; Malignant hyperpyrexia; Fulminating hyperpyrexia; Pharmacogenic myopathy. Identifiers: Orphanet 423, MedGen C2930980, MONDO:0007783, OMIM 145600.

Submission:

Color Diagnostics, LLC DBA Color Health
Classification: Uncertain significance for Malignant hyperthermia, susceptibility to, 1. Last evaluated: 2025-10-20. Review status: criteria provided, single submitter. Criteria: ACMG Guidelines, 2015. Collection method: clinical testing. Allele origin: germline.
Comment: This missense variant replaces valine with glycine at codon 1395 of the RYR1 protein. Computational prediction suggests that this variant may not impact protein structure and function. To our knowledge, functional studies have not been reported for this variant. This variant has not been reported in individuals affected with RYR1-related disorders in the literature. This variant has not been identified in the general population by the Genome Aggregation Database (gnomAD). The available evidence is insufficient to determine the role of this variant in disease conclusively. Therefore, this variant is classified as a Variant of Uncertain Significance.

NM_000540.3(RYR1):c.4184T>G (p.Val1395Gly)

Gene: RYR1 (ryanodine receptor 1; plus strand). Cytogenetic location: 19q13.2.
Variant type: single nucleotide variant.
Coding change: c.4184T>G on transcript NM_000540.3 (MANE Select); coding-DNA position 4184, T replaced by G.
Protein change: p.Val1395Gly; replaces valine 1395 with glycine.
Molecular consequence: missense variant.
Genome position (GRCh38, 1-based): chr19:38,475,341, T>G. VCF-style: chr19-38475341-T-G. GRCh37 (hg19) VCF-style: chr19-38965981-T-G.
Other names: c.4184T>G, p.Val1395Gly (NM_001042723.2); short protein forms V1395G.
Identifiers: ClinVar variation 4758267 (VCV004758267.1).